The following is an entry in ClinVar:

NM_003265.3(TLR3):c.522A>C (p.Gln174His)

Gene: TLR3 (toll like receptor 3; plus strand). Cytogenetic location: 4q35.1.
Variant type: single nucleotide variant.
Coding change: c.522A>C on transcript NM_003265.3 (MANE Select); coding-DNA position 522, A replaced by C.
Protein change: p.Gln174His; replaces glutamine 174 with histidine.
Molecular consequence: missense variant.
Genome position (GRCh38, 1-based): chr4:186,078,920, A>C. VCF-style: chr4-186078920-A-C. GRCh37 (hg19) VCF-style: chr4-187000074-A-C.
Other names: short protein forms Q174H.
Identifiers: ClinVar variation 2920271 (VCV002920271.3), dbSNP rs1267396880, ClinGen allele CA359108242.

ClinVar aggregate classification (germline): Uncertain significance (1 of 4 stars; one submission).

Conditions:
Encephalopathy, acute, infection-induced (herpes-specific), susceptibility to, 1. Also called: Herpes simplex encephalitis, susceptibility to, 1. Identifiers: Orphanet 1930, MedGen C2750180, MONDO:0024563, OMIM 610551.

Allele frequency attached by ClinVar (database versions not stated): gnomAD 0.00001; gnomAD exomes 0.00001; TOPMed 0.00003.
gnomAD v4.1: 10 of 1,614,004 alleles (0.00062%); highest among the groups gnomAD compares: Non-Finnish European, 0.00085%; no homozygotes.

Submission:

Labcorp Genetics (formerly Invitae), Labcorp
Classification: Uncertain significance for Encephalopathy, acute, infection-induced (herpes-specific), susceptibility to, 1. Last evaluated: 2023-10-05. Review status: criteria provided, single submitter. Criteria: Invitae Variant Classification Sherloc (09022015). Collection method: clinical testing. Allele origin: germline.
Comment: This sequence change replaces glutamine, which is neutral and polar, with histidine, which is basic and polar, at codon 174 of the TLR3 protein (p.Gln174His). This variant is present in population databases (no rsID available, gnomAD 0.0009%). This variant has not been reported in the literature in individuals affected with TLR3-related conditions. An algorithm developed to predict the effect of missense changes on protein structure and function (PolyPhen-2) suggests that this variant is likely to be tolerated. In summary, the available evidence is currently insufficient to determine the role of this variant in disease. Therefore, it has been classified as a Variant of Uncertain Significance.